The following is an entry in ClinVar:

NM_000051.4(ATM):c.9098A>G (p.Asn3033Ser)

Genes: ATM (ATM serine/threonine kinase; plus strand), C11orf65 (chromosome 11 open reading frame 65; minus strand). Cytogenetic location: 11q22.3.
Variant type: single nucleotide variant.
Coding change: c.9098A>G on transcript NM_000051.4 (MANE Select); coding-DNA position 9098, A replaced by G.
Protein change: p.Asn3033Ser; replaces asparagine 3033 with serine.
Molecular consequence: missense variant. On other transcripts: intron variant (2).
Genome position (GRCh38, 1-based): chr11:108,365,435, A>G. VCF-style: chr11-108365435-A-G. GRCh37 (hg19) VCF-style: chr11-108236162-A-G.
Other names: c.9098A>G, p.Asn3033Ser (NM_001351834.2); c.640+20485T>C (NM_001330368.2); c.694+20485T>C (NM_001351110.2); short protein forms N3033S.
Identifiers: ClinVar variation 490756 (VCV000490756.18), dbSNP rs1555151991, ClinGen allele CA382531923.

ClinVar aggregate classification (germline): Uncertain significance. Review status: criteria provided, multiple submitters, no conflicts (2 of 4 stars). 4 submissions from 4 submitters: Uncertain significance (4). Last evaluated 2024-04-16.

Conditions:
Familial colorectal cancer type X. Identifiers: Orphanet 440437, MedGen C3896578, MONDO:0018604.
Hereditary cancer-predisposing syndrome. Also called: Hereditary Cancer Syndrome; Neoplastic Syndromes, Hereditary; Tumor predisposition; Hereditary neoplastic syndrome. Identifiers: Orphanet 140162, MedGen C0027672, MeSH D009386, MONDO:0015356.
Ataxia-telangiectasia syndrome (AT). Also called: Cerebello-oculocutaneous telangiectasia; Immunodeficiency with ataxia telangiectasia; Ataxia-telangiectasia, complementation group E; Ataxia-telangiectasia, complementation group D; AT, COMPLEMENTATION GROUP C; ATAXIA-TELANGIECTASIA, COMPLEMENTATION GROUP A. Identifiers: Orphanet 100, MedGen C0004135, MONDO:0008840, OMIM 208900.

Submissions (4):

Labcorp Genetics (formerly Invitae), Labcorp
Classification: Uncertain significance for Ataxia-telangiectasia syndrome. Last evaluated: 2024-04-16. Review status: criteria provided, single submitter. Criteria: Invitae Variant Classification Sherloc (09022015). Collection method: clinical testing. Allele origin: germline.
Comment: This sequence change replaces asparagine, which is neutral and polar, with serine, which is neutral and polar, at codon 3033 of the ATM protein (p.Asn3033Ser). This variant is not present in population databases (gnomAD no frequency). This variant has not been reported in the literature in individuals affected with ATM-related conditions. This missense change has been observed to co-occur in individuals with a different variant in ATM that has been determined to be pathogenic (Invitae), but the significance of this finding is unclear. ClinVar contains an entry for this variant (Variation ID: 490756). An algorithm developed to predict the effect of missense changes on protein structure and function (PolyPhen-2) suggests that this variant is likely to be disruptive. Algorithms developed to predict the effect of sequence changes on RNA splicing suggest that this variant may create or strengthen a splice site. In summary, the available evidence is currently insufficient to determine the role of this variant in disease. Therefore, it has been classified as a Variant of Uncertain Significance.

Color Diagnostics, LLC DBA Color Health
Classification: Uncertain significance for Hereditary cancer-predisposing syndrome. Last evaluated: 2024-03-07. Review status: criteria provided, single submitter. Criteria: ACMG Guidelines, 2015. Collection method: clinical testing. Allele origin: germline.
Comment: This missense variant replaces asparagine with serine at codon 3033 of the ATM protein. Computational prediction suggests that this variant may not impact protein structure and function (internally defined REVEL score threshold <= 0.5, PMID: 27666373). To our knowledge, functional studies have not been reported for this variant. This variant has not been reported in individuals affected with hereditary cancer in the literature. This variant has not been identified in the general population by the Genome Aggregation Database (gnomAD). The available evidence is insufficient to determine the role of this variant in disease conclusively. Therefore, this variant is classified as a Variant of Uncertain Significance.

Department of Pathology and Laboratory Medicine, Sinai Health System
Classification: Uncertain significance for Familial colorectal cancer type X. Last evaluated: 2021-08-18. Review status: criteria provided, single submitter. Criteria: ACMG Guidelines, 2015. Collection method: clinical testing. Allele origin: germline. Affected: yes.

Ambry Genetics
Classification: Uncertain significance for Hereditary cancer-predisposing syndrome. Last evaluated: 2021-07-26. Review status: criteria provided, single submitter. Criteria: Ambry Variant Classification Scheme 2023. Collection method: clinical testing. Allele origin: germline.
Comment: The p.N3033S variant (also known as c.9098A>G), located in coding exon 62 of the ATM gene, results from an A to G substitution at nucleotide position 9098. The asparagine at codon 3033 is replaced by serine, an amino acid with highly similar properties. This amino acid position is highly conserved in available vertebrate species. In addition, this alteration is predicted to be tolerated by in silico analysis. Since supporting evidence is limited at this time, the clinical significance of this alteration remains unclear.